The following is an entry in ClinVar:

NM_022437.3(ABCG8):c.255G>T (p.Glu85Asp)

Gene: ABCG8 (ATP binding cassette subfamily G member 8; plus strand). Cytogenetic location: 2p21.
Variant type: single nucleotide variant.
Coding change: c.255G>T on transcript NM_022437.3 (MANE Select); coding-DNA position 255, G replaced by T.
Protein change: p.Glu85Asp; replaces glutamic acid 85 with aspartic acid.
Molecular consequence: missense variant.
Genome position (GRCh38, 1-based): chr2:43,846,244, G>T. VCF-style: chr2-43846244-G-T. GRCh37 (hg19) VCF-style: chr2-44073383-G-T.
Other names: c.255G>T, p.Glu85Asp (NM_001357321.2); short protein forms E85D.
Identifiers: ClinVar variation 1793094 (VCV001793094.6), dbSNP rs376761538, ClinGen allele CA1636948.

ClinVar aggregate classification (germline): Uncertain significance. Review status: criteria provided, multiple submitters, no conflicts (2 of 4 stars). 4 submissions from 4 submitters: Uncertain significance (4). Last evaluated 2026-06-06.

Conditions:
Cardiovascular phenotype. Identifiers: MedGen CN230736.
ABCG8-related disorder. Also called: ABCG8-related condition.

Allele frequency attached by ClinVar (database versions not stated): gnomAD 0.00002; TOPMed 0.00003; ESP Exome Variant Server 0.00008.
gnomAD v4.1: 27 of 1,614,068 alleles (0.0017%); highest among the groups gnomAD compares: Admixed American, 0.0083%; no homozygotes.

Submissions (4):

PreventionGenetics, part of Exact Sciences
Classification: Uncertain significance for ABCG8-related condition. Last evaluated: 2026-06-06. Review status: criteria provided, single submitter. Criteria: ACMG Guidelines, 2015. Collection method: clinical testing. Allele origin: germline.
Comment: The ABCG8 c.255G>T variant is predicted to result in the amino acid substitution p.Glu85Asp. To our knowledge, this variant has not been reported in the literature. This variant is reported in 0.014% of alleles in individuals of Latino descent in gnomAD. At this time, the clinical significance of this variant is uncertain due to the absence of conclusive functional and genetic evidence.

Women's Health and Genetics/Laboratory Corporation of America, LabCorp
Classification: Uncertain significance. Last evaluated: 2023-08-06. Review status: criteria provided, single submitter. Criteria: LabCorp Variant Classification Summary - May 2015. Collection method: clinical testing. Allele origin: germline.

Labcorp Genetics (formerly Invitae), Labcorp
Classification: Uncertain significance. Last evaluated: 2022-05-24. Review status: criteria provided, single submitter. Criteria: Invitae Variant Classification Sherloc (09022015). Collection method: clinical testing. Allele origin: germline.
Comment: This sequence change replaces glutamic acid, which is acidic and polar, with aspartic acid, which is acidic and polar, at codon 85 of the ABCG8 protein (p.Glu85Asp). This variant is present in population databases (rs376761538, gnomAD 0.01%). This variant has not been reported in the literature in individuals affected with ABCG8-related conditions. Algorithms developed to predict the effect of missense changes on protein structure and function output the following: SIFT: "Tolerated"; PolyPhen-2: "Benign"; Align-GVGD: "Class C0". The aspartic acid amino acid residue is found in multiple mammalian species, which suggests that this missense change does not adversely affect protein function. In summary, the available evidence is currently insufficient to determine the role of this variant in disease. Therefore, it has been classified as a Variant of Uncertain Significance.

Ambry Genetics
Classification: Uncertain significance for Cardiovascular phenotype. Last evaluated: 2022-03-23. Review status: criteria provided, single submitter. Criteria: Ambry Variant Classification Scheme 2023. Collection method: clinical testing. Allele origin: germline.
Comment: The p.E85D variant (also known as c.255G>T), located in coding exon 3 of the ABCG8 gene, results from a G to T substitution at nucleotide position 255. The glutamic acid at codon 85 is replaced by aspartic acid, an amino acid with highly similar properties. This amino acid position is conserved. In addition, this alteration is predicted to be tolerated by in silico analysis. Since supporting evidence is limited at this time, the clinical significance of this alteration remains unclear.